The following is an entry in ClinVar:

NC_000011.9:g.(?_18428644)_(18428828_?)dup

Gene: LDHA (lactate dehydrogenase A; plus strand). Cytogenetic location: 11p15.1.
Variant type: Duplication.
Identifiers: ClinVar variation 1444046 (VCV001444046.4).

ClinVar aggregate classification (germline): Uncertain significance (1 of 4 stars; one submission).

Conditions:
Glycogen storage disease due to lactate dehydrogenase M-subunit deficiency (GSD11). Also called: GSD XI; LACTATE DEHYDROGENASE A DEFICIENCY; Glycogen storage disease XI. Identifiers: Orphanet 284426, MedGen C2931743, MONDO:0013047, OMIM 612933.

Submission:

Labcorp Genetics (formerly Invitae), Labcorp
Classification: Uncertain significance for Glycogen storage disease due to lactate dehydrogenase M-subunit deficiency. Last evaluated: 2022-07-22. Review status: criteria provided, single submitter. Criteria: Invitae Variant Classification Sherloc (09022015). Collection method: clinical testing. Allele origin: germline.
Comment: This variant results in a copy number gain of the genomic region encompassing exon(s) 8 of the LDHA gene. This region includes the termination codon of the gene. This copy number gain extends beyond the assayed region for this gene and therefore may encompass additional genes. As the precise location of this event is unknown, it may be in tandem or it may be located elsewhere in the genome. This variant has not been reported in the literature in individuals affected with LDHA-related conditions. In summary, the available evidence is currently insufficient to determine the role of this variant in disease. Therefore, it has been classified as a Variant of Uncertain Significance.